The following is an entry in ClinVar:

NM_015141.4(GPD1L):c.465C>T (p.Ala155=)

Gene: GPD1L (glycerol-3-phosphate dehydrogenase 1 like; plus strand). Cytogenetic location: 3p22.3.
Variant type: single nucleotide variant.
Coding change: c.465C>T on transcript NM_015141.4 (MANE Select); coding-DNA position 465, C replaced by T.
Protein change: p.Ala155=; no amino-acid change (alanine 155 retained).
Molecular consequence: synonymous variant.
Genome position (GRCh38, 1-based): chr3:32,140,326, C>T. VCF-style: chr3-32140326-C-T. GRCh37 (hg19) VCF-style: chr3-32181818-C-T.
Identifiers: ClinVar variation 263656 (VCV000263656.16), dbSNP rs113645050, ClinGen allele CA2296650.

ClinVar aggregate classification (germline): Benign/Likely benign. Review status: criteria provided, multiple submitters, no conflicts (2 of 4 stars). 4 submissions from 4 submitters: Benign (3); Likely benign (1). Last evaluated 2025-12-24.

Conditions:
Cardiovascular phenotype. Identifiers: MedGen CN230736.
Brugada syndrome. Also called: Sudden unexplained nocturnal death syndrome; Sudden Unexplained Death Syndrome; Sudden Unexplained Nocturnal Death Syndrome (SUNDS); Sudden unexpected nocturnal death syndrome. Identifiers: Orphanet 130, MedGen C1142166, MONDO:0015263.

Allele frequency attached by ClinVar (database versions not stated): ESP Exome Variant Server 0.00008; TOPMed 0.00015; 1000 Genomes Project 30x 0.00078; 1000 Genomes Project 0.00100; gnomAD 0.00119 and 0.00121; ExAC 0.00137; gnomAD exomes 0.00167.
gnomAD v4.1: 1,455 of 1,614,138 alleles (0.09%); highest among the groups gnomAD compares: East Asian, 0.12%; 8 homozygotes.

Submissions (4):

Labcorp Genetics (formerly Invitae), Labcorp
Classification: Benign for Brugada syndrome. Last evaluated: 2025-12-24. Review status: criteria provided, single submitter. Criteria: Invitae Variant Classification Sherloc (09022015). Collection method: clinical testing. Allele origin: germline.

Blueprint Genetics
Classification: Likely benign. Last evaluated: 2024-11-07. Review status: criteria provided, single submitter. Criteria: ACMG Guidelines, 2015. Collection method: clinical testing. Allele origin: germline.

Ambry Genetics
Classification: Benign for Cardiovascular phenotype. Last evaluated: 2020-06-16. Review status: criteria provided, single submitter. Criteria: Ambry Variant Classification Scheme 2023. Collection method: clinical testing. Allele origin: germline.

GeneDx
Classification: Benign. Last evaluated: 2015-09-21. Review status: criteria provided, single submitter. Criteria: GeneDx Variant Classification (06012015). Collection method: clinical testing. Allele origin: germline. Affected: yes.
Comment: This variant is considered likely benign or benign based on one or more of the following criteria: it is a conservative change, it occurs at a poorly conserved position in the protein, it is predicted to be benign by multiple in silico algorithms, and/or has population frequency not consistent with disease.